The following is an entry in ClinVar:

NM_004522.3(KIF5C):c.2210+7C>T

Gene: KIF5C (kinesin family member 5C; plus strand). Cytogenetic location: 2q23.1.
Variant type: single nucleotide variant.
Coding change: c.2210+7C>T on transcript NM_004522.3 (MANE Select); 7 bases into the intron after coding-DNA position 2210, C replaced by T.
Molecular consequence: intron variant.
Genome position (GRCh38, 1-based): chr2:148,998,516, C>T. VCF-style: chr2-148998516-C-T. GRCh37 (hg19) VCF-style: chr2-149855030-C-T.
Identifiers: ClinVar variation 3910216 (VCV003910216.3).
Genomic context (GRCh38, chr2:148,998,516, plus strand): 5'-CAGACTCCGAGACGAAATTGAGGAGAAGCAGAAAATCATTGATGAGATTCGGGAGTGAGT[C>T]GGCCCAGGGCACCAGGGGTGTGGGGGTGGTCATGCCTCGGTCCTCTTGGGGAAGCCTGGA-3'

ClinVar aggregate classification (germline): Likely benign. Review status: criteria provided, multiple submitters, no conflicts (2 of 4 stars). 3 submissions from 3 submitters: Likely benign (3). Last evaluated 2026-03-10.

gnomAD v4.1: 135 of 1,552,820 alleles (0.0087%); highest among the groups gnomAD compares: Middle Eastern, 0.017%; no homozygotes.

Submissions (3):

Women's Health and Genetics/Laboratory Corporation of America, LabCorp
Classification: Likely benign. Last evaluated: 2026-03-10. Review status: criteria provided, single submitter. Criteria: LabCorp Variant Classification Summary - May 2015. Collection method: clinical testing. Allele origin: germline.
Comment: Variant summary: KIF5C c.2210+7C>T alters a nucleotide located at a position not widely known to affect splicing. Consensus agreement among computation tools predict no significant impact on normal splicing. However, these predictions have yet to be confirmed by functional studies. The variant allele was found at a frequency of 3.8e-05 in 158932 control chromosomes. The available data on variant occurrences in the general population are insufficient to allow any conclusion about variant significance. To our knowledge, no occurrence of c.2210+7C>T in individuals affected with KIF5C-related conditions and no experimental evidence demonstrating its impact on protein function have been reported. ClinVar contains an entry for this variant (Variation ID: 3910216). Based on the evidence outlined above, the variant was classified as likely benign.

Laboratory of Genetics, Children's Clinical University Hospital Latvia
Classification: Likely benign. Last evaluated: 2025-02-16. Review status: criteria provided, single submitter. Criteria: ACMG Guidelines, 2015. Collection method: clinical testing. Allele origin: germline. Affected: yes.

Blueprint Genetics
Classification: Likely benign. Last evaluated: 2024-07-04. Review status: criteria provided, single submitter. Criteria: ACMG Guidelines, 2015. Collection method: clinical testing. Allele origin: germline.